The following is an entry in ClinVar:

NM_000088.4(COL1A1):c.177G>T (p.Arg59=)

Gene: COL1A1 (collagen type I alpha 1 chain; minus strand). Cytogenetic location: 17q21.33.
Variant type: single nucleotide variant.
Coding change: c.177G>T on transcript NM_000088.4 (MANE Select); coding-DNA position 177, G replaced by T.
Protein change: p.Arg59=; no amino-acid change (arginine 59 retained).
Molecular consequence: synonymous variant.
Genome position (GRCh38, 1-based): chr17:50,199,874, C>A on the plus strand (G>T on the coding strand, the complement: COL1A1 is on the minus strand). VCF-style: chr17-50199874-C-A. GRCh37 (hg19) VCF-style: chr17-48277235-C-A.
Other names: p.Arg59=.
Identifiers: ClinVar variation 254945 (VCV000254945.26), dbSNP rs1057297, ClinGen allele CA8645816.
Genomic context (GRCh38, chr17:50,199,874, plus strand): 5'-CTTGGTCTCGTCACAGATCACGTCATCGCACAACACCTTGCCGTTGTCGCAGACGCAGAT[C>A]CGGCAGGGCTCGGGTTTCCACACGTCTCGGTCATGGTACCTGAGGCCGTTCTGTACGCAG-3'
Protein context (NP_000079.2, residues 49-69): DRDVWKPEPC[Arg59=]ICVCDNGKVL

ClinVar aggregate classification (germline): Benign. Review status: criteria provided, multiple submitters, no conflicts (2 of 4 stars). 14 submissions from 11 submitters: Benign (14). Last evaluated 2026-02-03.

Conditions:
Cardiovascular phenotype. Identifiers: MedGen CN230736.
Ehlers-Danlos syndrome (EDS). Identifiers: Orphanet 98249, MedGen C0013720, MONDO:0020066.
Ehlers-Danlos syndrome, arthrochalasia type. Also called: Ehlers-Danlos syndrome, arthrochalasis type; ARTHROCHALASIS MULTIPLEX CONGENITA; EDS VII, MUTANT PROCOLLAGEN TYPE; EDS VIIA; Ehlers-Danlos syndrome, arthrochalasia type, 1. Identifiers: Orphanet 1899, Orphanet 99875, Orphanet 99876, MedGen C4551623, MONDO:0007525, OMIM 130060.
Osteogenesis imperfecta type I (OI1). Also called: Lobstein's Disease; Classic Non-deforming Osteogenesis Imperfecta with Blue Sclerae; Osteogenesis imperfecta type 1; Lobstein disease; OI, TYPE I; OSTEOGENESIS IMPERFECTA TARDA. Identifiers: Orphanet 216796, Orphanet 666, MedGen C0023931, MONDO:0008146, OMIM 166200. Disease mechanism: loss of function.
Infantile cortical hyperostosis. Also called: P1PK BLOOD GROUP SYSTEM, P(2) PHENOTYPE; Caffey Disease; Hyperostosis, Cortical, Congenital. Identifiers: Orphanet 1310, MedGen C0020497, MONDO:0007244, OMIM 114000.
Osteogenesis imperfecta (OI). Identifiers: Orphanet 666, MedGen C0029434, MeSH D010013, MONDO:0019019.

Allele frequency attached by ClinVar (database versions not stated): gnomAD exomes 0.02056; ExAC 0.02394; gnomAD 0.03873 and 0.04003; TOPMed 0.04051; ESP Exome Variant Server 0.04183; 1000 Genomes Project 30x 0.04497; 1000 Genomes Project 0.04533.
gnomAD v4.1: 27,446 of 1,614,152 alleles (1.7%); highest among the groups gnomAD compares: African/African-American, 11%; 650 homozygotes.

Submissions (14):

Labcorp Genetics (formerly Invitae), Labcorp
Classification: Benign for Osteogenesis imperfecta type I. Last evaluated: 2026-02-03. Review status: criteria provided, single submitter. Criteria: Invitae Variant Classification Sherloc (09022015). Collection method: clinical testing. Allele origin: germline.

Molecular Diagnostic Laboratory for Inherited Cardiovascular Disease, Montreal Heart Institute
Classification: Benign. Last evaluated: 2025-04-09. Review status: criteria provided, single submitter. Criteria: ACMG Guidelines, 2015. Collection method: clinical testing. Allele origin: germline. Affected: no.

Blueprint Genetics
Classification: Benign. Last evaluated: 2024-11-27. Review status: criteria provided, single submitter. Criteria: ACMG Guidelines, 2015. Collection method: clinical testing. Allele origin: germline.

Genome Diagnostics Laboratory, The Hospital for Sick Children
Classification: Benign for Osteogenesis imperfecta. Last evaluated: 2022-07-16. Review status: criteria provided, single submitter. Criteria: ACMG Guidelines, 2015. Collection method: clinical testing. Allele origin: germline.

Genome Diagnostics Laboratory, The Hospital for Sick Children
Classification: Benign for Ehlers-Danlos syndrome. Last evaluated: 2022-07-07. Review status: criteria provided, single submitter. Criteria: ACMG Guidelines, 2015. Collection method: clinical testing. Allele origin: germline.

Mayo Clinic Laboratories, Mayo Clinic
Classification: Benign. Last evaluated: 2019-05-21. Review status: criteria provided, single submitter. Criteria: ACMG Guidelines, 2015. Collection method: clinical testing. Allele origin: germline. Observed: 131 variant alleles.

Ambry Genetics
Classification: Benign for Cardiovascular phenotype. Last evaluated: 2018-12-17. Review status: criteria provided, single submitter. Criteria: Ambry Variant Classification Scheme 2023. Collection method: clinical testing. Allele origin: germline.

Illumina Laboratory Services, Illumina
Classification: Benign for Osteogenesis imperfecta. Last evaluated: 2018-01-13. Review status: criteria provided, single submitter. Criteria: ICSL Variant Classification Criteria 13 December 2019. Collection method: clinical testing. Allele origin: germline.
Comment: This variant was observed in the ICSL laboratory as part of a predisposition screen in an ostensibly healthy population. It had not been previously curated by ICSL or reported in the Human Gene Mutation Database (HGMD: prior to June 1st, 2018), and was therefore a candidate for classification through an automated scoring system. Utilizing variant allele frequency, disease prevalence and penetrance estimates, and inheritance mode, an automated score was calculated to assess if this variant is too frequent to cause the disease. Based on the score and internal cut-off values, a variant classified as benign is not then subjected to further curation. The score for this variant resulted in a classification of benign for this disease.

Illumina Laboratory Services, Illumina
Classification: Benign for Ehlers-Danlos syndrome, arthrochalasia type. Last evaluated: 2018-01-13. Review status: criteria provided, single submitter. Criteria: ICSL Variant Classification Criteria 13 December 2019. Collection method: clinical testing. Allele origin: germline.
Comment: the same text as in the submission from Illumina Laboratory Services, Illumina above.

Illumina Laboratory Services, Illumina
Classification: Benign for Infantile cortical hyperostosis. Last evaluated: 2018-01-13. Review status: criteria provided, single submitter. Criteria: ICSL Variant Classification Criteria 13 December 2019. Collection method: clinical testing. Allele origin: germline.
Comment: the same text as in the submission from Illumina Laboratory Services, Illumina above.

Athena Diagnostics
Classification: Benign. Last evaluated: 2017-09-08. Review status: criteria provided, single submitter. Criteria: Athena Diagnostics Criteria. Collection method: clinical testing. Allele origin: germline.

GeneDx
Classification: Benign. Last evaluated: 2016-06-07. Review status: criteria provided, single submitter. Criteria: GeneDx Variant Classification (06012015). Collection method: clinical testing. Allele origin: germline. Affected: yes.
Comment: This variant is considered likely benign or benign based on one or more of the following criteria: it is a conservative change, it occurs at a poorly conserved position in the protein, it is predicted to be benign by multiple in silico algorithms, and/or has population frequency not consistent with disease.

Breakthrough Genomics
Classification: Benign. Review status: criteria provided, single submitter. Criteria: ACMG Guidelines, 2015. Collection method: not provided. Allele origin: germline. Inheritance: Autosomal dominant inheritance. Affected: yes.

PreventionGenetics, part of Exact Sciences
Classification: Benign. Review status: criteria provided, single submitter. Criteria: ACMG Guidelines, 2015. Collection method: clinical testing. Allele origin: germline.

Literature cited by the submitters: PubMed 18272325 (cited by Athena Diagnostics); PubMed 18996919 (cited by Athena Diagnostics); PubMed 7691343 (cited by Athena Diagnostics).